The following is an entry in ClinVar:

ClinVar aggregate classification (germline): Uncertain significance (1 of 4 stars; one submission).

Conditions:
Hereditary breast ovarian cancer syndrome. Also called: Hereditary breast and ovarian cancer syndrome; Hereditary breast and ovarian cancer syndrome (HBOC); BRCA1- and BRCA2-Associated Hereditary Breast and Ovarian Cancer; Hereditary breast and ovarian cancer; Breast and ovarian cancer; Hereditary breast and/or ovarian cancer syndrome. Identifiers: Orphanet 145, MedGen C0677776, MeSH D061325, MONDO:0003582. Disease mechanism: loss of function.

Submission:

Labcorp Genetics (formerly Invitae), Labcorp
Classification: Uncertain significance for Hereditary breast ovarian cancer syndrome. Last evaluated: 2024-10-19. Review status: criteria provided, single submitter. Criteria: Invitae Variant Classification Sherloc (09022015). Collection method: clinical testing. Allele origin: germline.
Comment: This sequence change replaces valine, which is neutral and non-polar, with glutamic acid, which is acidic and polar, at codon 959 of the BRCA2 protein (p.Val959Glu). This variant is not present in population databases (gnomAD no frequency). This variant has not been reported in the literature in individuals affected with BRCA2-related conditions. Invitae Evidence Modeling of protein sequence and biophysical properties (such as structural, functional, and spatial information, amino acid conservation, physicochemical variation, residue mobility, and thermodynamic stability) indicates that this missense variant is not expected to disrupt BRCA2 protein function with a negative predictive value of 95%. In summary, the available evidence is currently insufficient to determine the role of this variant in disease. Therefore, it has been classified as a Variant of Uncertain Significance.

NM_000059.4(BRCA2):c.2876T>A (p.Val959Glu)

Gene: BRCA2 (BRCA2 DNA repair associated; plus strand). Cytogenetic location: 13q13.1.
Variant type: single nucleotide variant.
Coding change: c.2876T>A on transcript NM_000059.4 (MANE Select); coding-DNA position 2876, T replaced by A.
Protein change: p.Val959Glu; replaces valine 959 with glutamic acid.
Molecular consequence: missense variant. On other transcripts: non-coding transcript variant (1), intron variant (2).
Genome position (GRCh38, 1-based): chr13:32,337,231, T>A. VCF-style: chr13-32337231-T-A. GRCh37 (hg19) VCF-style: chr13-32911368-T-A.
Other names: c.2876T>A, p.Val959Glu (NM_001406719.1, NM_001406720.1, NM_001432077.1); c.1909+3844T>A (NM_001406721.1); c.424+6201T>A (NM_001406722.1); short protein forms V959E.
Identifiers: ClinVar variation 3636445 (VCV003636445.2).